The following is an entry in ClinVar:

NM_001077350.3(NPRL3):c.608A>C (p.Asp203Ala)

Genes: HBA-LCR (alpha-globin locus control region; plus strand), NPRL3 (NPR3 like, GATOR1 complex subunit; minus strand). Cytogenetic location: 16p13.3.
Variant type: single nucleotide variant.
Coding change: c.608A>C on transcript NM_001077350.3 (MANE Select); coding-DNA position 608, A replaced by C.
Protein change: p.Asp203Ala; replaces aspartic acid 203 with alanine.
Molecular consequence: missense variant.
Genome position (GRCh38, 1-based): chr16:110,546, T>G on the plus strand (A>C on the coding strand, the complement: NPRL3 is on the minus strand). VCF-style: chr16-110546-T-G. GRCh37 (hg19) VCF-style: chr16-160544-T-G.
Other names: c.71A>C, p.Asp24Ala (NM_001039476.3); c.374A>C, p.Asp125Ala (NM_001243247.2); c.533A>C, p.Asp178Ala (NM_001243248.2, NM_001243249.2); short protein forms D125A, D178A, D203A, D24A.
Identifiers: ClinVar variation 1020110 (VCV001020110.10), dbSNP rs1899757551, ClinGen allele CA393992727.

ClinVar aggregate classification (germline): Uncertain significance (1 of 4 stars; one submission).

Conditions:
Epilepsy, familial focal, with variable foci 3 (FFEVF3). Identifiers: MedGen C4310708, MONDO:0014925, OMIM 617118.

Submission:

Labcorp Genetics (formerly Invitae), Labcorp
Classification: Uncertain significance for Epilepsy, familial focal, with variable foci 3. Last evaluated: 2022-06-09. Review status: criteria provided, single submitter. Criteria: Invitae Variant Classification Sherloc (09022015). Collection method: clinical testing. Allele origin: germline.
Comment: In summary, the available evidence is currently insufficient to determine the role of this variant in disease. Therefore, it has been classified as a Variant of Uncertain Significance. Experimental studies and prediction algorithms are not available or were not evaluated, and the functional significance of this variant is currently unknown. ClinVar contains an entry for this variant (Variation ID: 1020110). This variant has not been reported in the literature in individuals affected with NPRL3-related conditions. This variant is not present in population databases (gnomAD no frequency). This sequence change replaces aspartic acid, which is acidic and polar, with alanine, which is neutral and non-polar, at codon 203 of the NPRL3 protein (p.Asp203Ala).